The following is an entry in ClinVar:

NM_024809.5(TCTN2):c.217G>C (p.Val73Leu)

Gene: TCTN2 (tectonic family member 2; plus strand). Cytogenetic location: 12q24.31.
Variant type: single nucleotide variant.
Coding change: c.217G>C on transcript NM_024809.5 (MANE Select); coding-DNA position 217, G replaced by C.
Protein change: p.Val73Leu; replaces valine 73 with leucine.
Molecular consequence: missense variant.
Genome position (GRCh38, 1-based): chr12:123,672,082, G>C. VCF-style: chr12-123672082-G-C. GRCh37 (hg19) VCF-style: chr12-124156629-G-C.
Other names: c.217G>C, p.Val73Leu (NM_001143850.3); short protein forms V73L.
Identifiers: ClinVar variation 1468341 (VCV001468341.5), dbSNP rs1955760079, ClinGen allele CA387155236.

ClinVar aggregate classification (germline): Uncertain significance (1 of 4 stars; one submission).

Conditions:
Meckel-Gruber syndrome. Also called: DYSENCEPHALIA SPLANCHNOCYSTICA; GRUBER SYNDROME; Dysencephalia splachnocystica. Identifiers: Orphanet 564, MedGen C0265215, MONDO:0018921.
Joubert syndrome. Also called: CEREBELLOPARENCHYMAL DISORDER IV; JOUBERT-BOLTSHAUSER SYNDROME; Familial aplasia of the vermis. Identifiers: Orphanet 475, MedGen C5979921, MONDO:0018772.

Submission:

Labcorp Genetics (formerly Invitae), Labcorp
Classification: Uncertain significance for Joubert syndrome; Meckel-Gruber syndrome. Last evaluated: 2021-08-28. Review status: criteria provided, single submitter. Criteria: Invitae Variant Classification Sherloc (09022015). Collection method: clinical testing. Allele origin: germline.
Comment: This sequence change replaces valine with leucine at codon 73 of the TCTN2 protein (p.Val73Leu). The valine residue is moderately conserved and there is a small physicochemical difference between valine and leucine. This variant is not present in population databases (ExAC no frequency). This variant has not been reported in the literature in individuals affected with TCTN2-related conditions. Algorithms developed to predict the effect of missense changes on protein structure and function output the following: SIFT: "Tolerated"; PolyPhen-2: "Benign"; Align-GVGD: "Class C0". The leucine amino acid residue is found in multiple mammalian species, which suggests that this missense change does not adversely affect protein function. In summary, the available evidence is currently insufficient to determine the role of this variant in disease. Therefore, it has been classified as a Variant of Uncertain Significance.